The following is an entry in ClinVar:

NM_015041.3(CLUAP1):c.494G>C (p.Arg165Thr)

Gene: CLUAP1 (clusterin associated protein 1; plus strand). Cytogenetic location: 16p13.3.
Variant type: single nucleotide variant.
Coding change: c.494G>C on transcript NM_015041.3 (MANE Select); coding-DNA position 494, G replaced by C.
Protein change: p.Arg165Thr; replaces arginine 165 with threonine.
Molecular consequence: missense variant. On other transcripts: intron variant (1).
Genome position (GRCh38, 1-based): chr16:3,512,477, G>C. VCF-style: chr16-3512477-G-C. GRCh37 (hg19) VCF-style: chr16-3562477-G-C.
Other names: c.494G>C, p.Arg165Thr (NM_001330454.2); c.-4+2508G>C (NM_024793.3); short protein forms R165T.
Identifiers: ClinVar variation 1524619 (VCV001524619.8), dbSNP rs2037648517, ClinGen allele CA394512867.

ClinVar aggregate classification (germline): Uncertain significance (1 of 4 stars; one submission).

Allele frequency attached by ClinVar (database versions not stated): gnomAD exomes below 0.00001; TOPMed below 0.00001.
gnomAD v4.1: 3 of 1,610,916 alleles (0.00019%); highest among the groups gnomAD compares: Non-Finnish European, 0.00025%; no homozygotes.

Submission:

Labcorp Genetics (formerly Invitae), Labcorp
Classification: Uncertain significance. Last evaluated: 2024-11-23. Review status: criteria provided, single submitter. Criteria: Invitae Variant Classification Sherloc (09022015). Collection method: clinical testing. Allele origin: germline.
Comment: This sequence change replaces arginine, which is basic and polar, with threonine, which is neutral and polar, at codon 165 of the CLUAP1 protein (p.Arg165Thr). This variant is not present in population databases (gnomAD no frequency). This variant has not been reported in the literature in individuals affected with CLUAP1-related conditions. ClinVar contains an entry for this variant (Variation ID: 1524619). An algorithm developed to predict the effect of missense changes on protein structure and function (PolyPhen-2) suggests that this variant is likely to be disruptive. In summary, the available evidence is currently insufficient to determine the role of this variant in disease. Therefore, it has been classified as a Variant of Uncertain Significance.